The following is an entry in ClinVar:

NM_000051.4(ATM):c.216A>G (p.Thr72=)

Gene: ATM (ATM serine/threonine kinase; plus strand). Cytogenetic location: 11q22.3.
Variant type: single nucleotide variant.
Coding change: c.216A>G on transcript NM_000051.4 (MANE Select); coding-DNA position 216, A replaced by G.
Protein change: p.Thr72=; no amino-acid change (threonine 72 retained).
Molecular consequence: synonymous variant.
Genome position (GRCh38, 1-based): chr11:108,229,208, A>G. VCF-style: chr11-108229208-A-G. GRCh37 (hg19) VCF-style: chr11-108099935-A-G.
Other names: c.216A>G, p.Thr72= (NM_001351834.2, NM_001351835.2, NM_001351836.2).
Identifiers: ClinVar variation 3254527 (VCV003254527.4), dbSNP rs765201447.

ClinVar aggregate classification (germline): Benign/Likely benign. Review status: criteria provided, multiple submitters, no conflicts (2 of 4 stars). 3 submissions from 3 submitters: Benign (1); Likely benign (2). Last evaluated 2025-03-04.

Conditions:
ATM-related cancer predisposition. Also called: ATM-related cancer susceptibility. Identifiers: MedGen CN377759, MONDO:0700270.
Familial cancer of breast. Also called: BREAST CANCER, FAMILIAL; Hereditary breast cancer; hereditary breast carcinoma. Identifiers: Orphanet 227535, MedGen C0346153, MONDO:0016419, OMIM 114480. Disease mechanism: loss of function.

Allele frequency attached by ClinVar (database versions not stated): gnomAD exomes 0.00001; ExAC 0.00002.

Submissions (3):

Center for Genomic Medicine, Rigshospitalet, Copenhagen University Hospital
Classification: Likely benign. Last evaluated: 2025-03-04. Review status: criteria provided, single submitter. Criteria: ACMG Guidelines, 2015. Collection method: clinical testing. Allele origin: germline.

Myriad Genetics, Inc.
Classification: Benign for Familial cancer of breast. Last evaluated: 2024-04-18. Review status: criteria provided, single submitter. Criteria: Myriad Autosomal Dominant, Autosomal Recessive and X-Linked Classification Criteria (2023). Collection method: clinical testing. Allele origin: unknown.
Comment: This variant is considered benign. This variant is a silent/synonymous amino acid change and it is not expected to impact splicing.

Department of Pathology and Laboratory Medicine, Sinai Health System
Classification: Likely benign for ATM-related cancer predisposition. Last evaluated: 2022-01-12. Review status: criteria provided, single submitter. Criteria: ACMG Guidelines, 2015. Collection method: clinical testing. Allele origin: germline. Affected: no.